The following is an entry in ClinVar:

ClinVar aggregate classification (germline): Pathogenic/Likely pathogenic. Review status: criteria provided, multiple submitters, no conflicts (2 of 4 stars). 2 submissions from 2 submitters: Pathogenic (1); Likely pathogenic (1). Last evaluated 2023-11-24.

Conditions:
Myofibrillar myopathy 5. Also called: FILAMINOPATHY, AUTOSOMAL DOMINANT; Filaminopathy (type). Identifiers: Orphanet 171445, MedGen C1836050, MONDO:0012289, OMIM 609524.
Distal myopathy with posterior leg and anterior hand involvement. Also called: WILLIAMS DISTAL MYOPATHY. Identifiers: Orphanet 63273, MedGen C3279722, MONDO:0013550, OMIM 614065.
Hypertrophic cardiomyopathy 26. Also called: Cardiomyopathy, familial hypertrophic, 26. Identifiers: Orphanet 75249, MedGen C4310749, MONDO:0014883, OMIM 617047.
Primary familial dilated cardiomyopathy (FDC). Also called: Familial dilated cardiomyopathy; Hypokinetic dilated cardiomyopathy, familial. Identifiers: Orphanet 217607, MedGen C0340427, MONDO:0016333.

Submissions (2):

Labcorp Genetics (formerly Invitae), Labcorp
Classification: Pathogenic for Distal myopathy with posterior leg and anterior hand involvement; Myofibrillar myopathy 5; Hypertrophic cardiomyopathy 26. Last evaluated: 2023-11-24. Review status: criteria provided, single submitter. Criteria: Invitae Variant Classification Sherloc (09022015). Collection method: clinical testing. Allele origin: germline.
Comment: This sequence change creates a premature translational stop signal (p.Lys2591Trpfs*31) in the FLNC gene. It is expected to result in an absent or disrupted protein product. Loss-of-function variants in FLNC are known to be pathogenic (PMID: 27908349). This variant is not present in population databases (gnomAD no frequency). This variant has not been reported in the literature in individuals affected with FLNC-related conditions. ClinVar contains an entry for this variant (Variation ID: 1074155). For these reasons, this variant has been classified as Pathogenic.

Women's Health and Genetics/Laboratory Corporation of America, LabCorp
Classification: Likely pathogenic for Primary familial dilated cardiomyopathy. Last evaluated: 2023-02-20. Review status: criteria provided, single submitter. Criteria: LabCorp Variant Classification Summary - May 2015. Collection method: clinical testing. Allele origin: germline.
Comment: Variant summary: FLNC c.7750_7769dup20 (p.Lys2591TrpfsX31) results in a premature termination codon, predicted to cause a truncation of the encoded protein or absence of the protein due to nonsense mediated decay, which are commonly known mechanisms for disease. Truncations downstream of this position have been classified as pathogenic in ClinVar. The variant was absent in 248252 control chromosomes (gnomAD). To our knowledge, no occurrence of c.7750_7769dup20 in individuals affected with Dilated Cardiomyopathy and no experimental evidence demonstrating its impact on protein function have been reported. One clinical diagnostic laboratory has submitted clinical-significance assessments for this variant to ClinVar after 2014 without evidence for independent evaluation and classified the variant as pathogenic. Based on the evidence outlined above, the variant was classified as likely pathogenic.

Literature cited by the submitters: PubMed 27908349 (cited by Labcorp Genetics (formerly Invitae), Labcorp).

NM_001458.5(FLNC):c.7750_7769dup (p.Lys2591fs)

Genes: FLNC-AS1 (FLNC antisense RNA 1; minus strand), FLNC (filamin C; plus strand). Cytogenetic location: 7q32.1.
Variant type: Duplication.
Coding change: c.7750_7769dup on transcript NM_001458.5 (MANE Select); coding-DNA positions 7750 to 7769, 20 bases duplicated (GTGGGCAGCCCCTTCAAGGC).
Protein change: p.Lys2591fs; shifts the reading frame from lysine 2591.
Molecular consequence: frameshift variant.
Genome position (GRCh38, 1-based): chr7:128,857,306-128,857,325, GTGGGCAGCCCCTTCAAGGC duplicated; duplicating any 20 consecutive bases within chr7:128,857,305-128,857,325 gives the same sequence; the c. name uses the placement nearest the transcript's 3' end. VCF-style (leftmost placement, unchanged base first): chr7-128857304-T-TCGTGGGCAGCCCCTTCAAGG. GRCh37 (hg19) VCF-style: chr7-128497358-T-TCGTGGGCAGCCCCTTCAAGG.
Other names: c.7651_7670dup, p.Lys2558fs (NM_001127487.2); c.7750_7769dup20 (NM_001458.4); short protein forms K2558fs, K2591fs.
Identifiers: ClinVar variation 1074155 (VCV001074155.11), dbSNP rs2128940399, ClinGen allele CA2499218757.